The following is an entry in ClinVar:

ClinVar aggregate classification (germline): Likely benign (1 of 4 stars; one submission).

Submission:

GeneDx
Classification: Likely benign. Last evaluated: 2017-08-11. Review status: criteria provided, single submitter. Criteria: GeneDx Variant Classification (06012015). Collection method: clinical testing. Allele origin: germline. Affected: yes.
Comment: This variant is considered likely benign or benign based on one or more of the following criteria: it is a conservative change, it occurs at a poorly conserved position in the protein, it is predicted to be benign by multiple in silico algorithms, and/or has population frequency not consistent with disease.

NM_000702.4(ATP1A2):c.1740T>G (p.Leu580=)

Gene: ATP1A2 (ATPase Na+/K+ transporting subunit alpha 2; plus strand). Cytogenetic location: 1q23.2.
Variant type: single nucleotide variant.
Coding change: c.1740T>G on transcript NM_000702.4 (MANE Select); coding-DNA position 1740, T replaced by G.
Protein change: p.Leu580=; no amino-acid change (leucine 580 retained).
Molecular consequence: synonymous variant.
Genome position (GRCh38, 1-based): chr1:160,130,510, T>G. VCF-style: chr1-160130510-T-G. GRCh37 (hg19) VCF-style: chr1-160100300-T-G.
Identifiers: ClinVar variation 511455 (VCV000511455.1), dbSNP rs978157409, ClinGen allele CA31498026.